The following is an entry in ClinVar:

ClinVar aggregate classification (germline): Conflicting classifications of pathogenicity. Review status: criteria provided, conflicting classifications (1 of 4 stars). 2 submissions from 2 submitters: Uncertain significance (1); Likely benign (1). Last evaluated 2026-01-22.

Conditions:
Candidiasis, familial, 9 (CANDF9). Identifiers: Orphanet 1334, MedGen C4225324, MONDO:0014642, OMIM 616445.

Allele frequency attached by ClinVar (database versions not stated): gnomAD exomes 0.00006 and 0.00010; ExAC 0.00007; TOPMed 0.00012; gnomAD 0.00014; 1000 Genomes Project 30x 0.00016; 1000 Genomes Project 0.00020; ESP Exome Variant Server 0.00023.
gnomAD v4.1: 106 of 1,612,306 alleles (0.0066%); highest among the groups gnomAD compares: Middle Eastern, 0.05%; no homozygotes.

Submissions (2):

Labcorp Genetics (formerly Invitae), Labcorp
Classification: Uncertain significance for Candidiasis, familial, 9. Last evaluated: 2026-01-22. Review status: criteria provided, single submitter. Criteria: Invitae Variant Classification Sherloc (09022015). Collection method: clinical testing. Allele origin: germline.
Comment: This sequence change affects codon 424 of the IL17RC mRNA. It is a 'silent' change, meaning that it does not change the encoded amino acid sequence of the IL17RC protein. It affects a nucleotide within the consensus splice site. This variant is present in population databases (rs141983363, gnomAD 0.05%). This variant has not been reported in the literature in individuals affected with IL17RC-related conditions. ClinVar contains an entry for this variant (Variation ID: 1006079). Algorithms developed to predict the effect of sequence changes on RNA splicing suggest that this variant is not likely to affect RNA splicing. In summary, the available evidence is currently insufficient to determine the role of this variant in disease. Therefore, it has been classified as a Variant of Uncertain Significance.

Blueprint Genetics
Classification: Likely benign. Last evaluated: 2024-02-14. Review status: criteria provided, single submitter. Criteria: ACMG Guidelines, 2015. Collection method: clinical testing. Allele origin: germline.

NM_153460.4(IL17RC):c.1059C>T (p.Asp353=)

Gene: IL17RC (interleukin 17 receptor C; plus strand). Cytogenetic location: 3p25.3.
Variant type: single nucleotide variant.
Coding change: c.1059C>T on transcript NM_153460.4 (MANE Select); coding-DNA position 1059, C replaced by T.
Protein change: p.Asp353=; no amino-acid change (aspartic acid 353 retained).
Molecular consequence: synonymous variant. On other transcripts: non-coding transcript variant (1).
Genome position (GRCh38, 1-based): chr3:9,928,486, C>T. VCF-style: chr3-9928486-C-T. GRCh37 (hg19) VCF-style: chr3-9970170-C-T.
Other names: c.1059C>T, p.Asp353= (NM_001203263.2, NM_001203264.2); c.1014C>T, p.Asp338= (NM_001203265.2, NM_001367280.1, NM_032732.6); c.1020C>T, p.Asp340= (NM_001367278.1); c.939C>T, p.Asp313= (NM_001367279.1); c.1272C>T, p.Asp424= (NM_153461.4).
Identifiers: ClinVar variation 1006079 (VCV001006079.6), dbSNP rs141983363, ClinGen allele CA2247110.
Genomic context (GRCh38, chr3:9,928,486, plus strand): 5'-GGGTGGGGACCCCTGCCAGCCACTGGTCCCACCGCTTTCCTGGGAGAACGTCACTGTGGA[C>T]GTAAGTGAAGCAGAGGGCACCTCCCGTGGTGAGGGGAGAGTGGGGAACCGGGGGTCCCCT-3'
Protein context (NP_703190.2, residues 343-363): PPLSWENVTV[Asp353=]KVLEFPLLKG